The following is an entry in ClinVar:

NM_001036.6(RYR3):c.12972A>T (p.Lys4324Asn)

Gene: RYR3 (ryanodine receptor 3; plus strand). Cytogenetic location: 15q14.
Variant type: single nucleotide variant.
Coding change: c.12972A>T on transcript NM_001036.6 (MANE Select); coding-DNA position 12972, A replaced by T.
Protein change: p.Lys4324Asn; replaces lysine 4324 with asparagine.
Molecular consequence: missense variant.
Genome position (GRCh38, 1-based): chr15:33,838,952, A>T. VCF-style: chr15-33838952-A-T. GRCh37 (hg19) VCF-style: chr15-34131153-A-T.
Other names: c.12957A>T, p.Lys4319Asn (NM_001243996.4); short protein forms K4319N, K4324N.
Identifiers: ClinVar variation 1016354 (VCV001016354.8), dbSNP rs2078205814, ClinGen allele CA391596426.

ClinVar aggregate classification (germline): Uncertain significance (1 of 4 stars; one submission).

Conditions:
Epileptic encephalopathy. Identifiers: MedGen C0543888, HP:0200134.

Submission:

Labcorp Genetics (formerly Invitae), Labcorp
Classification: Uncertain significance for Epileptic encephalopathy. Last evaluated: 2022-07-25. Review status: criteria provided, single submitter. Criteria: Invitae Variant Classification Sherloc (09022015). Collection method: clinical testing. Allele origin: germline.
Comment: In summary, the available evidence is currently insufficient to determine the role of this variant in disease. Therefore, it has been classified as a Variant of Uncertain Significance. Algorithms developed to predict the effect of missense changes on protein structure and function (SIFT, PolyPhen-2, Align-GVGD) all suggest that this variant is likely to be tolerated. ClinVar contains an entry for this variant (Variation ID: 1016354). This variant has not been reported in the literature in individuals affected with RYR3-related conditions. This variant is not present in population databases (gnomAD no frequency). This sequence change replaces lysine, which is basic and polar, with asparagine, which is neutral and polar, at codon 4324 of the RYR3 protein (p.Lys4324Asn).